The following is an entry in ClinVar:

NM_002485.5(NBN):c.781A>G (p.Asn261Asp)

Gene: NBN (nibrin; minus strand). Cytogenetic location: 8q21.3.
Variant type: single nucleotide variant.
Coding change: c.781A>G on transcript NM_002485.5 (MANE Select); coding-DNA position 781, A replaced by G.
Protein change: p.Asn261Asp; replaces asparagine 261 with aspartic acid.
Molecular consequence: missense variant.
Genome position (GRCh38, 1-based): chr8:89,970,479, T>C on the plus strand (A>G on the coding strand, the complement: NBN is on the minus strand). VCF-style: chr8-89970479-T-C. GRCh37 (hg19) VCF-style: chr8-90982707-T-C.
Other names: c.535A>G, p.Asn179Asp (NM_001024688.3); short protein forms N261D, N179D.
Identifiers: ClinVar variation 2088783 (VCV002088783.5), dbSNP rs1382088021, ClinGen allele CA371658670.
Genomic context (GRCh38, chr8:89,970,479, plus strand): 5'-AGGTCTGTGAGTTTGTTATTCCTGTATCAACAACACACGTTCCCGGAGCCAAAAAGAAAT[T>C]ATGTTCTTCTTCATTCTCTTCTGTTATCAACCTAGCTTCCCCACCTCCAAAGACAACTGC-3'
Protein context (NP_002476.2, residues 251-271): LITEENEEEH[Asn261Asp]FFLAPGTCVV

ClinVar aggregate classification (germline): Uncertain significance. Review status: criteria provided, multiple submitters, no conflicts (2 of 4 stars). 2 submissions from 2 submitters: Uncertain significance (2). Last evaluated 2023-12-18.

Conditions:
Microcephaly, normal intelligence and immunodeficiency (NBS). Also called: BERLIN BREAKAGE SYNDROME; SEEMANOVA SYNDROME II; Immunodeficiency, microcephaly with normal intelligence; IMMUNODEFICIENCY, MICROCEPHALY, AND CHROMOSOMAL INSTABILITY; Ataxia telangiectasia variant V1; Nijmegen breakage syndrome. Identifiers: Orphanet 647, MedGen C0398791, MONDO:0009623, OMIM 251260.

Submissions (2):

Blueprint Genetics
Classification: Uncertain significance. Last evaluated: 2023-12-18. Review status: criteria provided, single submitter. Criteria: ACMG Guidelines, 2015. Collection method: clinical testing. Allele origin: germline.

Labcorp Genetics (formerly Invitae), Labcorp
Classification: Uncertain significance for Microcephaly, normal intelligence and immunodeficiency. Last evaluated: 2022-01-21. Review status: criteria provided, single submitter. Criteria: Invitae Variant Classification Sherloc (09022015). Collection method: clinical testing. Allele origin: germline.
Comment: In summary, the available evidence is currently insufficient to determine the role of this variant in disease. Therefore, it has been classified as a Variant of Uncertain Significance. Algorithms developed to predict the effect of missense changes on protein structure and function output the following: SIFT: "Tolerated"; PolyPhen-2: "Benign"; Align-GVGD: "Class C0". The aspartic acid amino acid residue is found in multiple mammalian species, which suggests that this missense change does not adversely affect protein function. This variant has not been reported in the literature in individuals affected with NBN-related conditions. This variant is not present in population databases (gnomAD no frequency). This sequence change replaces asparagine, which is neutral and polar, with aspartic acid, which is acidic and polar, at codon 261 of the NBN protein (p.Asn261Asp).